The following is an entry in ClinVar:

NM_000026.4(ADSL):c.895A>G (p.Met299Val)

Gene: ADSL (adenylosuccinate lyase; plus strand). Cytogenetic location: 22q13.1.
Variant type: single nucleotide variant.
Coding change: c.895A>G on transcript NM_000026.4 (MANE Select); coding-DNA position 895, A replaced by G.
Protein change: p.Met299Val; replaces methionine 299 with valine.
Molecular consequence: missense variant. On other transcripts: non-coding transcript variant (1).
Genome position (GRCh38, 1-based): chr22:40,361,520, A>G. VCF-style: chr22-40361520-A-G. GRCh37 (hg19) VCF-style: chr22-40757524-A-G.
Other names: p.M299V:ATG>GTG; c.895A>G, p.Met299Val (NM_001123378.3, NM_001363840.3); c.703A>G, p.Met235Val (NM_001317923.2); short protein forms M299V, M235V.
Identifiers: ClinVar variation 198981 (VCV000198981.26), dbSNP rs34396910, ClinGen allele CA247928.

ClinVar aggregate classification (germline): Conflicting classifications of pathogenicity. Review status: criteria provided, conflicting classifications (1 of 4 stars). 6 submissions from 6 submitters: Uncertain significance (4); Likely benign (1). 1 of the submissions does not count toward it. Last evaluated 2026-01-19.

Conditions:
ADSL-related disorder. Also called: ADSL-related condition.
Adenylosuccinate lyase deficiency (ADSLD). Also called: ADSL DEFICIENCY. Identifiers: Orphanet 46, MedGen C0268126, MONDO:0007068, OMIM 103050.

Allele frequency attached by ClinVar (database versions not stated): gnomAD exomes 0.00007 and 0.00024; ExAC 0.00025; ESP Exome Variant Server 0.00077; gnomAD 0.00085 and 0.00090; 1000 Genomes Project 30x 0.00094; TOPMed 0.00094; 1000 Genomes Project 0.00100.
gnomAD v4.1: 243 of 1,614,222 alleles (0.015%); highest among the groups gnomAD compares: African/African-American, 0.29%; no homozygotes.

Submissions (6):

Labcorp Genetics (formerly Invitae), Labcorp
Classification: Likely benign for Adenylosuccinate lyase deficiency. Last evaluated: 2026-01-19. Review status: criteria provided, single submitter. Criteria: Invitae Variant Classification Sherloc (09022015). Collection method: clinical testing. Allele origin: germline.

GeneDx
Classification: Uncertain significance. Last evaluated: 2023-12-28. Review status: criteria provided, single submitter. Criteria: GeneDx Variant Classification Process June 2021. Collection method: clinical testing. Allele origin: germline. Affected: yes.
Comment: In silico analysis supports that this missense variant has a deleterious effect on protein structure/function; Has not been previously published as pathogenic or benign to our knowledge

Baylor Genetics
Classification: Uncertain significance for Adenylosuccinate lyase deficiency. Last evaluated: 2023-03-28. Review status: criteria provided, single submitter. Criteria: ACMG Guidelines, 2015. Collection method: clinical testing. Allele origin: unknown.

Athena Diagnostics
Classification: Uncertain significance. Last evaluated: 2020-11-04. Review status: criteria provided, single submitter. Criteria: Athena Diagnostics criteria. Collection method: clinical testing. Allele origin: unknown.

Eurofins Ntd Llc (ga)
Classification: Uncertain significance. Last evaluated: 2018-07-05. Review status: criteria provided, single submitter. Criteria: EGL ClinVar v180209 classification definitions. Collection method: clinical testing. Allele origin: germline. Observed: 3 variant alleles, 3 heterozygotes.

PreventionGenetics, part of Exact Sciences
Classification: Likely benign for ADSL-related condition. Last evaluated: 2023-06-06. Review status: no assertion criteria provided. Collection method: clinical testing. Allele origin: germline. Not counted in ClinVar's aggregate classification.
Comment: This variant is classified as likely benign based on ACMG/AMP sequence variant interpretation guidelines (Richards et al. 2015 PMID: 25741868, with internal and published modifications).